The following is an entry in ClinVar:

NM_001351132.2(PEX5):c.568C>T (p.Pro190Ser)

Gene: PEX5 (peroxisomal biogenesis factor 5; plus strand). Cytogenetic location: 12p13.31.
Variant type: single nucleotide variant.
Coding change: c.568C>T on transcript NM_001351132.2 (MANE Select); coding-DNA position 568, C replaced by T.
Protein change: p.Pro190Ser; replaces proline 190 with serine.
Molecular consequence: missense variant.
Genome position (GRCh38, 1-based): chr12:7,201,767, C>T. VCF-style: chr12-7201767-C-T. GRCh37 (hg19) VCF-style: chr12-7354363-C-T.
Other names: c.568C>T, p.Pro190Ser (NM_000319.5, NM_001131024.2, NM_001131025.2 and 19 more transcripts); c.613C>T, p.Pro205Ser (NM_001131023.2, NM_001351135.3, NM_001351138.2); short protein forms P205S, P190S.
Identifiers: ClinVar variation 1447866 (VCV001447866.6), dbSNP rs1410451415, ClinGen allele CA383721278.

ClinVar aggregate classification (germline): Uncertain significance (1 of 4 stars; one submission).

Conditions:
Peroxisome biogenesis disorder 2B (PBD2B). Identifiers: Orphanet 44, MedGen C3550234, MONDO:0008736, OMIM 202370.

Allele frequency attached by ClinVar (database versions not stated): gnomAD 0.00001; gnomAD exomes 0.00001.
gnomAD v4.1: 9 of 1,613,330 alleles (0.00056%); highest among the groups gnomAD compares: African/African-American, 0.0013%; no homozygotes.

Submission:

Labcorp Genetics (formerly Invitae), Labcorp
Classification: Uncertain significance for Peroxisome biogenesis disorder 2B. Last evaluated: 2022-10-24. Review status: criteria provided, single submitter. Criteria: Invitae Variant Classification Sherloc (09022015). Collection method: clinical testing. Allele origin: germline.
Comment: This sequence change replaces proline, which is neutral and non-polar, with serine, which is neutral and polar, at codon 190 of the PEX5 protein (p.Pro190Ser). This variant is present in population databases (no rsID available, gnomAD 0.01%). This variant has not been reported in the literature in individuals affected with PEX5-related conditions. ClinVar contains an entry for this variant (Variation ID: 1447866). Advanced modeling of protein sequence and biophysical properties (such as structural, functional, and spatial information, amino acid conservation, physicochemical variation, residue mobility, and thermodynamic stability) performed at Invitae indicates that this missense variant is not expected to disrupt PEX5 protein function. In summary, the available evidence is currently insufficient to determine the role of this variant in disease. Therefore, it has been classified as a Variant of Uncertain Significance.